The following is an entry in ClinVar:

NM_001083962.2(TCF4):c.550-22787T>C

Gene: TCF4 (transcription factor 4; minus strand). Cytogenetic location: 18q21.2.
Variant type: single nucleotide variant.
Coding change: c.550-22787T>C on transcript NM_001083962.2 (MANE Select); 22787 bases into the intron before coding-DNA position 550, T replaced by C.
Molecular consequence: intron variant. On other transcripts: synonymous variant (2).
Genome position (GRCh38, 1-based): chr18:55,302,443, A>G on the plus strand (T>C on the coding strand, the complement: TCF4 is on the minus strand). VCF-style: chr18-55302443-A-G. GRCh37 (hg19) VCF-style: chr18-52969674-A-G.
Other names: c.160-22787T>C (NM_001243233.2, NM_001330605.3, NM_001348212.2 and 1 more transcripts); c.69+19227T>C (NM_001348214.2, NM_001243235.2, NM_001243234.2); c.-100+18388T>C (NM_001348215.2); c.475-22787T>C (NM_001348220.1, NM_001369584.1, NM_001369576.1 and 3 more transcripts); c.478-22787T>C (NM_001306207.1, NM_001348217.1, NM_001369577.1 and 9 more transcripts); c.337-22787T>C (NM_001306208.1, NM_001243232.1); c.42T>C, p.Cys14= (NM_001243236.2, NM_001348216.2); c.856-22787T>C (NM_001243226.3); and 5 more.
Identifiers: ClinVar variation 5041287 (VCV005041287.1).

ClinVar aggregate classification (germline): Likely benign (1 of 4 stars; one submission).

gnomAD v4.1: 11 of 1,536,312 alleles (0.00072%); highest among the groups gnomAD compares: Non-Finnish European, 0.00096%; no homozygotes.

Submission:

CeGaT Center for Human Genetics Tuebingen
Classification: Likely benign. Last evaluated: 2026-09-01. Review status: criteria provided, single submitter. Criteria: CeGaT Center For Human Genetics Tuebingen Variant Classification Criteria Version 2. Collection method: clinical testing. Allele origin: germline. Affected: yes. Observed: 1 variant allele.
Comment: TCF4: BP4